The following is an entry in ClinVar:

ClinVar aggregate classification (germline): Uncertain significance (1 of 4 stars; one submission).

Conditions:
Combined immunodeficiency due to LRBA deficiency. Also called: Common variable immunodeficiency 8, with autoimmunity. Identifiers: Orphanet 445018, MedGen C3553512, MONDO:0013863, OMIM 614700.

Allele frequency attached by ClinVar (database versions not stated): gnomAD exomes below 0.00001; ExAC 0.00001.
gnomAD v4.1: 4 of 1,600,708 alleles (0.00025%); highest among the groups gnomAD compares: South Asian, 0.0033%; no homozygotes.

Submission:

Labcorp Genetics (formerly Invitae), Labcorp
Classification: Uncertain significance for Combined immunodeficiency due to LRBA deficiency. Last evaluated: 2020-04-02. Review status: criteria provided, single submitter. Criteria: Invitae Variant Classification Sherloc (09022015). Collection method: clinical testing. Allele origin: germline.
Comment: This sequence change replaces histidine with glutamine at codon 186 of the LRBA protein (p.His186Gln). The histidine residue is weakly conserved and there is a small physicochemical difference between histidine and glutamine. This variant is present in population databases (rs768826674, ExAC 0.006%). This variant has not been reported in the literature in individuals with LRBA-related conditions. Algorithms developed to predict the effect of missense changes on protein structure and function are either unavailable or do not agree on the potential impact of this missense change (SIFT: "Tolerated"; PolyPhen-2: "Probably Damaging"; Align-GVGD: "Class C0"). In summary, the available evidence is currently insufficient to determine the role of this variant in disease. Therefore, it has been classified as a Variant of Uncertain Significance.

NM_001364905.1(LRBA):c.558T>A (p.His186Gln)

Gene: LRBA (LPS responsive beige-like anchor protein; minus strand). Cytogenetic location: 4q31.3.
Variant type: single nucleotide variant.
Coding change: c.558T>A on transcript NM_001364905.1 (MANE Select); coding-DNA position 558, T replaced by A.
Protein change: p.His186Gln; replaces histidine 186 with glutamine.
Molecular consequence: missense variant.
Genome position (GRCh38, 1-based): chr4:150,921,285, A>T on the plus strand (T>A on the coding strand, the complement: LRBA is on the minus strand). VCF-style: chr4-150921285-A-T. GRCh37 (hg19) VCF-style: chr4-151842437-A-T.
Other names: c.558T>A, p.His186Gln (NM_001199282.3, NM_001367550.1, NM_006726.5); short protein forms H186Q.
Identifiers: ClinVar variation 1025682 (VCV001025682.8), dbSNP rs768826674, ClinGen allele CA3103818.
Genomic context (GRCh38, chr4:150,921,285, plus strand): 5'-AAAGGCATCAGGACCATACTTCTGAGGCATATGCTTTAACACAGACAGCAACTTCCCAGC[A>T]TGTGGAGGCTATGAAGATAATTAACAATTCATTAACCACATTATTTACCATAAGATAAAA-3'
Protein context (NP_001351834.1, residues 176-196): LQGDKGRWPP[His186Gln]AGKLLSVLKH